The following is an entry in ClinVar:

NM_014244.5(ADAMTS2):c.1741G>A (p.Val581Met)

Gene: ADAMTS2 (ADAM metallopeptidase with thrombospondin type 1 motif 2; minus strand). Cytogenetic location: 5q35.3.
Variant type: single nucleotide variant.
Coding change: c.1741G>A on transcript NM_014244.5 (MANE Select); coding-DNA position 1741, G replaced by A.
Protein change: p.Val581Met; replaces valine 581 with methionine.
Molecular consequence: missense variant.
Genome position (GRCh38, 1-based): chr5:179,139,924, C>T on the plus strand (G>A on the coding strand, the complement: ADAMTS2 is on the minus strand). VCF-style: chr5-179139924-C-T. GRCh37 (hg19) VCF-style: chr5-178566925-C-T.
Other names: c.1741G>A (NM_014244.4); short protein forms V581M.
Identifiers: ClinVar variation 1508921 (VCV001508921.6), dbSNP rs778993977, ClinGen allele CA3595793.
Genomic context (GRCh38, chr5:179,139,924, plus strand): 5'-GCCAGGGGGACATGGGGCCAACTCACTGTGGGTTGTCACACTGGCGGGTCCTGAACTTCA[C>T]GCCCGTGCCACAGGTACGTGAGCAGGAGCCAAACGGACTCCAAGCGCCCCAGCTGCCGTC-3'
Protein context (NP_055059.2, residues 571-591): GSCSRTCGTG[Val581Met]KFRTRQCDNP

ClinVar aggregate classification (germline): Uncertain significance. Review status: criteria provided, multiple submitters, no conflicts (2 of 4 stars). 2 submissions from 2 submitters: Uncertain significance (2). Last evaluated 2024-12-03.

Conditions:
Inborn genetic diseases. Identifiers: MedGen C0950123, MeSH D030342.
Ehlers-Danlos syndrome, dermatosparaxis type. Also called: Dermatosparaxis; Ehlers-Danlos syndrome, type VII, autosomal recessive; EDS VIIC. Identifiers: Orphanet 1901, MedGen C2700425, MONDO:0009161, OMIM 225410.

Allele frequency attached by ClinVar (database versions not stated): gnomAD exomes below 0.00001 and 0.00001; gnomAD 0.00001; ExAC 0.00002; TOPMed 0.00003.
gnomAD v4.1: 7 of 1,612,234 alleles (0.00043%); highest among the groups gnomAD compares: East Asian, 0.0022%; 1 homozygote.

Submissions (2):

Ambry Genetics
Classification: Uncertain significance for Inborn genetic diseases. Last evaluated: 2024-12-03. Review status: criteria provided, single submitter. Criteria: Ambry Variant Classification Scheme 2023. Collection method: clinical testing. Allele origin: germline.

Labcorp Genetics (formerly Invitae), Labcorp
Classification: Uncertain significance for Ehlers-Danlos syndrome, dermatosparaxis type. Last evaluated: 2021-09-17. Review status: criteria provided, single submitter. Criteria: Invitae Variant Classification Sherloc (09022015). Collection method: clinical testing. Allele origin: germline.
Comment: This sequence change replaces valine with methionine at codon 581 of the ADAMTS2 protein (p.Val581Met). The valine residue is highly conserved and there is a small physicochemical difference between valine and methionine. This variant is present in population databases (rs778993977, ExAC 0.01%), including at least one homozygous and/or hemizygous individual. This variant has not been reported in the literature in individuals with ADAMTS2-related conditions. Algorithms developed to predict the effect of missense changes on protein structure and function are either unavailable or do not agree on the potential impact of this missense change (SIFT: "Deleterious"; PolyPhen-2: "Probably Damaging"; Align-GVGD: "Class C15"). In summary, the available evidence is currently insufficient to determine the role of this variant in disease. Therefore, it has been classified as a Variant of Uncertain Significance.